The following is an entry in ClinVar:

NM_000264.5(PTCH1):c.4075A>G (p.Ser1359Gly)

Gene: PTCH1 (patched 1; minus strand). Cytogenetic location: 9q22.32.
Variant type: single nucleotide variant.
Coding change: c.4075A>G on transcript NM_000264.5 (MANE Select); coding-DNA position 4075, A replaced by G.
Protein change: p.Ser1359Gly; replaces serine 1359 with glycine.
Molecular consequence: missense variant. On other transcripts: non-coding transcript variant (1).
Genome position (GRCh38, 1-based): chr9:95,447,181, T>C on the plus strand (A>G on the coding strand, the complement: PTCH1 is on the minus strand). VCF-style: chr9-95447181-T-C. GRCh37 (hg19) VCF-style: chr9-98209463-T-C.
Other names: c.3877A>G, p.Ser1293Gly (NM_001083602.3); c.4072A>G, p.Ser1358Gly (NM_001083603.3); c.3622A>G, p.Ser1208Gly (NM_001083604.3, NM_001083605.3, NM_001083606.3 and 1 more transcripts); c.3919A>G, p.Ser1307Gly (NM_001354918.2); short protein forms S1307G, S1358G, S1359G, S1208G, S1293G.
Identifiers: ClinVar variation 2745563 (VCV002745563.3), dbSNP rs2136577298, ClinGen allele CA374110368.

ClinVar aggregate classification (germline): Uncertain significance (1 of 4 stars; one submission).

Conditions:
Gorlin syndrome. Also called: Basal cell nevus syndrome; Nevoid Basal Cell Carcinoma Syndrome. Identifiers: Orphanet 377, MedGen C0004779, MONDO:0007187.

Submission:

Labcorp Genetics (formerly Invitae), Labcorp
Classification: Uncertain significance for Gorlin syndrome. Last evaluated: 2023-07-20. Review status: criteria provided, single submitter. Criteria: Invitae Variant Classification Sherloc (09022015). Collection method: clinical testing. Allele origin: germline.
Comment: In summary, the available evidence is currently insufficient to determine the role of this variant in disease. Therefore, it has been classified as a Variant of Uncertain Significance. Advanced modeling of protein sequence and biophysical properties (such as structural, functional, and spatial information, amino acid conservation, physicochemical variation, residue mobility, and thermodynamic stability) performed at Invitae indicates that this missense variant is not expected to disrupt PTCH1 protein function. This sequence change replaces serine, which is neutral and polar, with glycine, which is neutral and non-polar, at codon 1359 of the PTCH1 protein (p.Ser1359Gly). This variant is not present in population databases (gnomAD no frequency). This variant has not been reported in the literature in individuals affected with PTCH1-related conditions.